The following is an entry in ClinVar:

ClinVar aggregate classification (germline): Uncertain significance (1 of 4 stars; one submission).

Conditions:
Leukoencephalopathy with brain stem and spinal cord involvement-high lactate syndrome (LBSL). Also called: Leukoencephalopathy with Brainstem and Spinal Cord Involvement and Lactate Elevation; MITOCHONDRIAL ASPARTYL-tRNA SYNTHETASE DEFICIENCY; LEUKOENCEPHALOPATHY WITH BRAINSTEM AND SPINAL CORD INVOLVEMENT AND LACTATE ELEVATION, MILD. Identifiers: Orphanet 137898, MedGen C1970180, MONDO:0012622, OMIM 611105.

Submission:

Broad Center for Mendelian Genomics, Broad Institute of MIT and Harvard
Classification: Uncertain significance for Leukoencephalopathy with brain stem and spinal cord involvement-high lactate syndrome. Last evaluated: 2025-01-22. Review status: criteria provided, single submitter. Criteria: ACMG Guidelines, 2015. Collection method: curation. Allele origin: germline. Inheritance: Autosomal recessive inheritance.
Comment: The p.Ser597Gly variant in DARS2 has been reported, in the compound heterozygous state, in 2 siblings with leukoencephalopathy with brain stem and spinal cord involvement-high lactate syndrome (PMID: 33977142), and has been identified in 0.001% (1/75050) of African/African American chromosomes by the Genome Aggregation Database (gnomAD; dbSNP rs766580827). Although this variant has been seen in the general population in a heterozygous state, its frequency is low enough to be consistent with a recessive carrier frequency. In vitro functional studies provide some evidence that the p.Ser597Gly variant may slightly impact protein function (PMID: 33977142). However, these types of assays may not accurately represent biological function. Computational prediction tools and conservation analyses suggest that this variant may impact the protein, though this information is not predictive enough to determine pathogenicity. In summary, while there is some suspicion for a pathogenic role, the clinical significance of this variant is uncertain. ACMG/AMP Criteria applied: PS3_supporting, PP3_moderate, PM2_supporting (Richards 2015).

NM_018122.5(DARS2):c.1789A>G (p.Ser597Gly)

Gene: DARS2 (aspartyl-tRNA synthetase 2, mitochondrial; plus strand). Cytogenetic location: 1q25.1.
Variant type: single nucleotide variant.
Coding change: c.1789A>G on transcript NM_018122.5 (MANE Select); coding-DNA position 1789, A replaced by G.
Protein change: p.Ser597Gly; replaces serine 597 with glycine.
Molecular consequence: missense variant.
Genome position (GRCh38, 1-based): chr1:173,857,556, A>G. VCF-style: chr1-173857556-A-G. GRCh37 (hg19) VCF-style: chr1-173826694-A-G.
Other names: NM_018122.5:c.1789A>G; c.1636A>G, p.Ser546Gly (NM_001365212.1); short protein forms S546G, S597G.
Identifiers: ClinVar variation 3776828 (VCV003776828.1).